The following is an entry in ClinVar:

ClinVar aggregate classification (germline): Uncertain significance (1 of 4 stars; one submission).

Conditions:
TTC21B-related disorder. Also called: TTC21B-related condition; TTC21B-related disorders.

gnomAD v4.1: 3 of 1,613,966 alleles (0.00019%); highest among the groups gnomAD compares: East Asian, 0.0067%; no homozygotes.

Submission:

PreventionGenetics, part of Exact Sciences
Classification: Uncertain significance for TTC21B-related condition. Last evaluated: 2026-07-01. Review status: criteria provided, single submitter. Criteria: ACMG Guidelines, 2015. Collection method: clinical testing. Allele origin: germline.
Comment: The TTC21B c.2672C>T variant is predicted to result in the amino acid substitution p.Ala891Val. To our knowledge, this variant has not been reported in the literature. This variant is reported in 0.022% of alleles in individuals of East Asian descent in gnomAD. At this time, the clinical significance of this variant is uncertain due to the absence of conclusive functional and genetic evidence.

NM_024753.5(TTC21B):c.2672C>T (p.Ala891Val)

Gene: TTC21B (tetratricopeptide repeat domain 21B; minus strand). Cytogenetic location: 2q24.3.
Variant type: single nucleotide variant.
Coding change: c.2672C>T on transcript NM_024753.5 (MANE Select); coding-DNA position 2672, C replaced by T.
Protein change: p.Ala891Val; replaces alanine 891 with valine.
Molecular consequence: missense variant.
Genome position (GRCh38, 1-based): chr2:165,901,807, G>A on the plus strand (C>T on the coding strand, the complement: TTC21B is on the minus strand). VCF-style: chr2-165901807-G-A. GRCh37 (hg19) VCF-style: chr2-166758317-G-A.
Other names: short protein forms A891V.
Identifiers: ClinVar variation 4981271 (VCV004981271.1).